The following continues an entry in ClinVar:

NM_001267550.2(TTN):c.71993G>A (p.Arg23998His)

ClinVar aggregate classification (germline): Benign. Benign (20).

Submissions 22 to 43 of 43:

Clinical Genetics, Academic Medical Center
Classification: Benign. Review status: no assertion criteria provided. Collection method: clinical testing. Allele origin: germline. Affected: yes. Study: VKGL Data-share Consensus. Not counted in ClinVar's aggregate classification.

Dr. Peter K. Rogan Lab, Western University
No classification provided (evidence only). Condition: Acute myeloid leukemia. Review status: no classification provided. Collection method: in vitro. Allele origin: not applicable. Functional consequence: retained intron. Not counted in ClinVar's aggregate classification.

Dr. Peter K. Rogan Lab, Western University
No classification provided (evidence only). Condition: Colon adenocarcinoma. Review status: no classification provided. Collection method: in vitro. Allele origin: not applicable. Functional consequence: retained intron. Not counted in ClinVar's aggregate classification.

Dr. Peter K. Rogan Lab, Western University
No classification provided (evidence only). Condition: Colon adenocarcinoma. Review status: no classification provided. Collection method: in vitro. Allele origin: not applicable. Functional consequence: retained intron. Not counted in ClinVar's aggregate classification.

Dr. Peter K. Rogan Lab, Western University
No classification provided (evidence only). Condition: Colon adenocarcinoma. Review status: no classification provided. Collection method: in vitro. Allele origin: not applicable. Functional consequence: retained intron. Not counted in ClinVar's aggregate classification.

Dr. Peter K. Rogan Lab, Western University
No classification provided (evidence only). Condition: Sarcoma. Review status: no classification provided. Collection method: in vitro. Allele origin: not applicable. Functional consequence: retained intron. Not counted in ClinVar's aggregate classification.

Dr. Peter K. Rogan Lab, Western University
No classification provided (evidence only). Condition: Sarcoma. Review status: no classification provided. Collection method: in vitro. Allele origin: not applicable. Functional consequence: retained intron. Not counted in ClinVar's aggregate classification.

Dr. Peter K. Rogan Lab, Western University
No classification provided (evidence only). Condition: Malignant lymphoma, large B-cell, diffuse. Review status: no classification provided. Collection method: in vitro. Allele origin: not applicable. Functional consequence: retained intron. Not counted in ClinVar's aggregate classification.

Dr. Peter K. Rogan Lab, Western University
No classification provided (evidence only). Condition: Hepatocellular carcinoma. Review status: no classification provided. Collection method: in vitro. Allele origin: not applicable. Functional consequence: retained intron. Not counted in ClinVar's aggregate classification.

Dr. Peter K. Rogan Lab, Western University
No classification provided (evidence only). Condition: Hepatocellular carcinoma. Review status: no classification provided. Collection method: in vitro. Allele origin: not applicable. Functional consequence: retained intron. Not counted in ClinVar's aggregate classification.

Dr. Peter K. Rogan Lab, Western University
No classification provided (evidence only). Condition: Hepatocellular carcinoma. Review status: no classification provided. Collection method: in vitro. Allele origin: not applicable. Functional consequence: retained intron. Not counted in ClinVar's aggregate classification.

Dr. Peter K. Rogan Lab, Western University
No classification provided (evidence only). Condition: Thymoma. Review status: no classification provided. Collection method: in vitro. Allele origin: not applicable. Functional consequence: retained intron. Not counted in ClinVar's aggregate classification.

Dr. Peter K. Rogan Lab, Western University
No classification provided (evidence only). Condition: Cholangiocarcinoma. Review status: no classification provided. Collection method: in vitro. Allele origin: not applicable. Functional consequence: retained intron. Not counted in ClinVar's aggregate classification.

Dr. Peter K. Rogan Lab, Western University
No classification provided (evidence only). Condition: Adrenocortical carcinoma, hereditary. Review status: no classification provided. Collection method: in vitro. Allele origin: not applicable. Functional consequence: retained intron. Not counted in ClinVar's aggregate classification.

Dr. Peter K. Rogan Lab, Western University
No classification provided (evidence only). Condition: Uterine carcinosarcoma. Review status: no classification provided. Collection method: in vitro. Allele origin: not applicable. Functional consequence: retained intron. Not counted in ClinVar's aggregate classification.

Dr. Peter K. Rogan Lab, Western University
No classification provided (evidence only). Condition: Uterine carcinosarcoma. Review status: no classification provided. Collection method: in vitro. Allele origin: not applicable. Functional consequence: retained intron. Not counted in ClinVar's aggregate classification.

Dr. Peter K. Rogan Lab, Western University
No classification provided (evidence only). Condition: Uterine carcinosarcoma. Review status: no classification provided. Collection method: in vitro. Allele origin: not applicable. Functional consequence: retained intron. Not counted in ClinVar's aggregate classification.

Dr. Peter K. Rogan Lab, Western University
No classification provided (evidence only). Condition: Uterine carcinosarcoma. Review status: no classification provided. Collection method: in vitro. Allele origin: not applicable. Functional consequence: retained intron. Not counted in ClinVar's aggregate classification.

Dr. Peter K. Rogan Lab, Western University
No classification provided (evidence only). Condition: Malignant tumor of esophagus. Review status: no classification provided. Collection method: in vitro. Allele origin: not applicable. Functional consequence: retained intron. Not counted in ClinVar's aggregate classification.

Dr. Peter K. Rogan Lab, Western University
No classification provided (evidence only). Condition: Malignant tumor of esophagus. Review status: no classification provided. Collection method: in vitro. Allele origin: not applicable. Functional consequence: retained intron. Not counted in ClinVar's aggregate classification.

Genetic Services Laboratory, University of Chicago
Classification: Likely benign for AllHighlyPenetrant. Review status: no assertion criteria provided. Collection method: clinical testing. Allele origin: germline. Not counted in ClinVar's aggregate classification.
Comment: Likely benign based on allele frequency in 1000 Genomes Project or ESP global frequency and its presence in a patient with a rare or unrelated disease phenotype. NOT Sanger confirmed.

Joint Genome Diagnostic Labs from Nijmegen and Maastricht, Radboudumc and MUMC+
Classification: Benign. Review status: no assertion criteria provided. Collection method: clinical testing. Allele origin: germline. Affected: yes. Study: VKGL Data-share Consensus. Not counted in ClinVar's aggregate classification.